The following is an entry in ClinVar:

NM_001165963.4(SCN1A):c.550A>T (p.Thr184Ser)

Gene: SCN1A (sodium voltage-gated channel alpha subunit 1; minus strand). Cytogenetic location: 2q24.3.
Variant type: single nucleotide variant.
Coding change: c.550A>T on transcript NM_001165963.4 (MANE Select); coding-DNA position 550, A replaced by T.
Protein change: p.Thr184Ser; replaces threonine 184 with serine.
Molecular consequence: missense variant. On other transcripts: 5 prime UTR variant (1), non-coding transcript variant (1).
Genome position (GRCh38, 1-based): chr2:166,054,690, T>A on the plus strand (A>T on the coding strand, the complement: SCN1A is on the minus strand). VCF-style: chr2-166054690-T-A. GRCh37 (hg19) VCF-style: chr2-166911200-T-A.
Other names: c.550A>T, p.Thr184Ser (NM_001165964.3, NM_001202435.3, NM_001353948.2 and 10 more transcripts); c.-1876A>T (NM_001353961.2); short protein forms T184S.
Identifiers: ClinVar variation 1339048 (VCV001339048.3), dbSNP rs368798811, ClinGen allele CA349075447.
Genomic context (GRCh38, chr2:166,054,690, plus strand): 5'-GCACTTACGCAAATGTAATGACAGTGAAATCGAGCCAGTTCCATGGATCCCGAAGGAAAG[T>A]AAAATCTTCTAAACAGAATCCCCTTGCAATAATTTTTATAAGTGATTCAAAAGTATATAT-3'
Protein context (NP_001159435.1, residues 174-194): IARGFCLEDF[Thr184Ser]FLRDPWNWLD

ClinVar aggregate classification (germline): Uncertain significance. Review status: criteria provided, multiple submitters, no conflicts (2 of 4 stars). 2 submissions from 2 submitters: Uncertain significance (2). Last evaluated 2021-07-16.

Conditions:
Severe myoclonic epilepsy in infancy (DRVT). Also called: Dravet syndrome; Epileptic encephalopathy, early infantile, 6 (Dravet syndrome); Severe Myoclonic Epilepsy in Infancy (SMEI); SEVERE MYOCLONIC EPILEPSY OF INFANCY; DEVELOPMENTAL AND EPILEPTIC ENCEPHALOPATHY 6A. Identifiers: Orphanet 33069, MedGen C0751122, MONDO:0100135, OMIM 607208.

gnomAD v4.1: 2 of 1,612,280 alleles (0.00012%); highest among the groups gnomAD compares: South Asian, 0.0011%; no homozygotes.

Submissions (2):

AiLife Diagnostics
Classification: Uncertain significance. Last evaluated: 2021-07-16. Review status: criteria provided, single submitter. Criteria: ACMG Guidelines, 2015. Collection method: clinical testing. Allele origin: germline. Affected: yes. Observed: 1 variant allele.

Neuberg Centre For Genomic Medicine, NCGM
Classification: Uncertain significance for Severe myoclonic epilepsy in infancy. Review status: criteria provided, single submitter. Criteria: ACMG Guidelines, 2015. Collection method: clinical testing. Allele origin: germline. Affected: yes.
Comment: The missense variant p.T184S in SCN1A (NM_001165963.4) has not been reported previously as a pathogenic variant nor as a benign variant, to our knowledge. The p.T184S variant is novel (not in any individuals) in gnomAD Exomes and is novel (not in any individuals) in 1000 Genomes. The p.T184S missense variant is predicted to be damaging by both SIFT and PolyPhen2. The threonine residue at codon 184 of SCN1A is conserved in all mammalian species. The nucleotide c.550 in SCN1A is predicted conserved by GERP++ and PhyloP across 100 vertebrates. For these reasons, this variant has been classified as Uncertain Significance.